The following is an entry in ClinVar:

ClinVar aggregate classification (germline): Pathogenic (1 of 4 stars; one submission).

Conditions:
Long QT syndrome (LQTS). Identifiers: MedGen C0023976, MeSH D008133, MONDO:0002442. Disease mechanism: loss of function. Inheritance: Various modes of inheritance.

Submission:

Labcorp Genetics (formerly Invitae), Labcorp
Classification: Pathogenic for Long QT syndrome. Last evaluated: 2020-08-01. Review status: criteria provided, single submitter. Criteria: Invitae Variant Classification Sherloc (09022015). Collection method: clinical testing. Allele origin: germline.
Comment: This variant is an out-of-frame deletion of the genomic region encompassing exon(s) 3-5 of the KCNH2 gene. This is expected to create a premature translational stop signal and result in an absent or disrupted protein product. This variant has not been reported in the literature in individuals with KCNH2-related conditions. Loss-of-function variants in KCNH2 are known to be pathogenic (PMID: 10973849, 19862833). For these reasons, this variant has been classified as Pathogenic.

Literature cited by the submitters: PubMed 10973849; PubMed 19862833.

NC_000007.13:g.(?_150654369)_(150656834_?)del

Gene: KCNH2 (potassium voltage-gated channel subfamily H member 2; minus strand). Cytogenetic location: 7q36.1.
Variant type: Deletion.
Identifiers: ClinVar variation 1068866 (VCV001068866.1).